The following is an entry in ClinVar:

NM_016103.4(SAR1B):c.244+6_244+13del

Gene: SAR1B (secretion associated Ras related GTPase 1B; minus strand). Cytogenetic location: 5q31.1.
Variant type: Deletion.
Coding change: c.244+6_244+13del on transcript NM_016103.4 (MANE Select); bases 6 to 13 of the intron after coding-DNA position 244, 8 bases deleted (ATTCTTTT; older notation c.244+6_244+13delATTCTTTT).
Molecular consequence: intron variant.
Genome position (GRCh38, 1-based): chr5:134,612,678-134,612,685, AAAAGAAT deleted on the plus strand (ATTCTTTT on the coding strand, the reverse complement: SAR1B is on the minus strand). VCF-style (leftmost placement, unchanged base first): chr5-134612677-AAAAAGAAT-A. GRCh37 (hg19) VCF-style: chr5-133948367-AAAAAGAAT-A.
Other names: c.244+6_244+13del (NM_001033503.3).
Identifiers: ClinVar variation 3046116 (VCV003046116.2), dbSNP rs2484118595, ClinGen allele CA1081779516.

ClinVar aggregate classification (germline): Likely benign (0 of 4 stars; one submission).

Conditions:
SAR1B-related disorder. Also called: SAR1B-related condition.

Allele frequency attached by ClinVar (database versions not stated): gnomAD exomes below 0.00001.

Submission:

PreventionGenetics, part of Exact Sciences
Classification: Likely benign for SAR1B-related condition. Last evaluated: 2023-11-07. Review status: no assertion criteria provided. Collection method: clinical testing. Allele origin: germline.
Comment: This variant is classified as likely benign based on ACMG/AMP sequence variant interpretation guidelines (Richards et al. 2015 PMID: 25741868, with internal and published modifications).